The following is an entry in ClinVar:

NM_000492.4(CFTR):c.1826A>G (p.His609Arg)

Gene: CFTR (CF transmembrane conductance regulator; plus strand). Cytogenetic location: 7q31.2.
Variant type: single nucleotide variant.
Coding change: c.1826A>G on transcript NM_000492.4 (MANE Select); coding-DNA position 1826, A replaced by G.
Protein change: p.His609Arg; replaces histidine 609 with arginine.
Molecular consequence: missense variant.
Genome position (GRCh38, 1-based): chr7:117,591,993, A>G. VCF-style: chr7-117591993-A-G. GRCh37 (hg19) VCF-style: chr7-117232047-A-G.
Other names: short protein forms H609R.
Identifiers: ClinVar variation 53398 (VCV000053398.49), dbSNP rs397508310, ClinGen allele CA326692.

ClinVar aggregate classification (germline): Pathogenic. Review status: reviewed by expert panel (3 of 4 stars). 16 submissions from 16 submitters: Pathogenic (1). 15 of the submissions do not count toward it. Last evaluated 2017-12-08.

Conditions:
Cystic fibrosis (CF). Also called: MUCOVISCIDOSIS. Identifiers: Orphanet 586, MedGen C0010674, MONDO:0009061, OMIM 219700. Disease mechanism: loss of function.
CFTR-related disorder (CFTR-RD). Also called: CFTR-related disorders; CFTR-related condition. Identifiers: MedGen C5924204, MONDO:7770004.
Congenital bilateral aplasia of vas deferens from CFTR mutation (CBAVD). Identifiers: Orphanet 48, MedGen C0403814, MONDO:0010178, OMIM 277180. Disease mechanism: loss of function.
Hereditary pancreatitis (PCTT). Also called: PRSS1-Related Hereditary Pancreatitis; Hereditary chronic pancreatitis. Identifiers: Orphanet 676, MedGen C0238339, MONDO:0008185, OMIM 167800.
Bronchiectasis with or without elevated sweat chloride 1 (BESC1). Also called: Cystic Fibrosis-Like Syndrome. Identifiers: Orphanet 60033, MedGen C2749757, MONDO:0008887, OMIM 211400.

Allele frequency attached by ClinVar (database versions not stated): gnomAD exomes below 0.00001; TOPMed below 0.00001; gnomAD 0.00001.
gnomAD v4.1: 2 of 1,595,240 alleles (0.00013%); highest among the groups gnomAD compares: Admixed American, 0.0037%; no homozygotes.

Submissions 1 to 11 of 16:

CFTR2
Classification: Pathogenic for Cystic fibrosis. Last evaluated: 2017-12-08. Review status: reviewed by expert panel. Criteria: Sosnay PR et al. (Nat Genet 2013). Collection method: research. Allele origin: germline. Affected: yes.

Natera, Inc.
Classification: Pathogenic for CFTR-related disorders. Last evaluated: 2025-12-19. Review status: criteria provided, single submitter. Criteria: Natera Variant Classification Schema (03/2026). Collection method: clinical testing. Allele origin: germline. Not counted in ClinVar's aggregate classification.
Comment: The c.1826A>G variant in CFTR is a missense variant predicted to cause substitution of histidine to arginine at amino acid 609. This variant is rare in the general population with a frequency below the threshold expected for the associated phenotype(s). This variant has been observed in one or more individuals affected with the associated recessive disease, as either homozygous or compound heterozygous with a second variant (PMID: 19457724, 30888834, 36437230). Computational prediction algorithms indicate this variant is likely to affect gene or protein function. Given the available evidence, this variant is classified as Pathogenic.

Labcorp Genetics (formerly Invitae), Labcorp
Classification: Pathogenic for Cystic fibrosis. Last evaluated: 2025-12-17. Review status: criteria provided, single submitter. Criteria: Invitae Variant Classification Sherloc (09022015). Collection method: clinical testing. Allele origin: germline. Not counted in ClinVar's aggregate classification.
Comment: This sequence change replaces histidine, which is basic and polar, with arginine, which is basic and polar, at codon 609 of the CFTR protein (p.His609Arg). This variant is not present in population databases (gnomAD no frequency). This missense change has been observed in individuals with congenital bilateral absence of the vas deferens and cystic fibrosis (PMID: 14685937, 16189704, 16963320, 19457724, 26708955). It has also been observed to segregate with disease in related individuals. ClinVar contains an entry for this variant (Variation ID: 53398). Invitae Evidence Modeling of protein sequence and biophysical properties (such as structural, functional, and spatial information, amino acid conservation, physicochemical variation, residue mobility, and thermodynamic stability) indicates that this missense variant is expected to disrupt CFTR protein function with a positive predictive value of 80%. For these reasons, this variant has been classified as Pathogenic.

Quest Diagnostics Nichols Institute San Juan Capistrano
Classification: Pathogenic. Last evaluated: 2024-12-18. Review status: criteria provided, single submitter. Criteria: Quest Diagnostics criteria. Collection method: clinical testing. Allele origin: unknown. Not counted in ClinVar's aggregate classification.
Comment: The CFTR c.1826A>G (p.His609Arg) variant has been reported in the published literature in individuals with cystic fibrosis either in the homozygous state or with another CF variant (PMID: 26708955 (2016), 19457724 (2009), 16189704 (2005), 12938099 (2003)). This variant has also been reported in individuals with congenital bilateral absence of the vas deferens (CBAVD) (PMID: 14685937 (2004), CFTR-FRANCE CFTR-France). This variant has been described to cause CF when present with another CF-causing variant (CFTR2). A published functional study reports that this variant showed 2.2% of wildtype CFTR protein activity (PMID: 29805046 (2018)). The frequency of this variant in the general population (Genome Aggregation Database) is uninformative in the assessment of its pathogenicity. Analysis of this variant using bioinformatics tools for the prediction of the effect of amino acid changes on protein structure and function yielded predictions that this variant is damaging. Based on the available information, this variant is classified as pathogenic.

Dasa
Classification: Pathogenic. Last evaluated: 2024-08-26. Review status: criteria provided, single submitter. Criteria: DASA Assertion Criteria. Collection method: clinical testing. Allele origin: germline. Not counted in ClinVar's aggregate classification.
Comment: NM_000492.4(CFTR):c.1826A>G (p.His609Arg) is a missense variant that results in the substitution of histidine with arginine. Functional evidence supports a deleterious effect on the gene or gene product (PMID: 14685937; PMID: 16963320; PMID: 16189704). This variant has been recurrently observed in individuals with related phenotype (PMID: 14685937; PMID: 16963320; PMID: 16189704). Multiple computational predictions support a deleterious effect on the gene or gene product. The variant is present at low frequency in population datasets. Based on the available data, this variant is classified as pathogenic.

CeGaT Center for Human Genetics Tuebingen
Classification: Pathogenic. Last evaluated: 2024-04-01. Review status: criteria provided, single submitter. Criteria: CeGaT Center For Human Genetics Tuebingen Variant Classification Criteria Version 2. Collection method: clinical testing. Allele origin: germline. Affected: yes. Observed: 1 variant allele. Not counted in ClinVar's aggregate classification.
Comment: CFTR: PM3:Very Strong, PM2, PM5, PP3, PS3:Supporting

Fulgent Genetics
Classification: Pathogenic for Hereditary pancreatitis; Bronchiectasis with or without elevated sweat chloride 1; Cystic fibrosis; Congenital bilateral aplasia of vas deferens from CFTR mutation. Last evaluated: 2024-02-23. Review status: criteria provided, single submitter. Criteria: ACMG Guidelines, 2015. Collection method: clinical testing. Allele origin: germline. Not counted in ClinVar's aggregate classification.

Baylor Genetics
Classification: Pathogenic for Bronchiectasis with or without elevated sweat chloride 1. Last evaluated: 2023-12-19. Review status: criteria provided, single submitter. Criteria: ACMG Guidelines, 2015. Collection method: clinical testing. Allele origin: unknown. Not counted in ClinVar's aggregate classification.

Mayo Clinic Laboratories, Mayo Clinic
Classification: Pathogenic. Last evaluated: 2023-12-05. Review status: criteria provided, single submitter. Criteria: ACMG Guidelines, 2015. Collection method: clinical testing. Allele origin: germline. Observed: 1 variant allele. Not counted in ClinVar's aggregate classification.
Comment: PP3, PP5, PM2_moderate, PM3_strong, PS3

Ambry Genetics
Classification: Pathogenic for Cystic fibrosis. Last evaluated: 2023-04-17. Review status: criteria provided, single submitter. Criteria: Ambry Variant Classification Scheme 2023. Collection method: clinical testing. Allele origin: germline. Not counted in ClinVar's aggregate classification.
Comment: The p.H609R pathogenic mutation (also known as c.1826A>G), located in coding exon 14 of the CFTR gene, results from an A to G substitution at nucleotide position 1826. The histidine at codon 609 is replaced by arginine, an amino acid with highly similar properties. This mutation was identified in the homozygous state in 4 individuals with CF from 3 Ecuadorian families; all 4 individuals has elevated sweat chloride levels and the parents in each family were confirmed carriers of this mutation. Three of these individuals had Pseudomonas colonization and reduced lung function; two of these individuals were pancreatic insufficient while the third was pancreatic insufficient. The fourth individual in this study was an infant and these analyses were not performed (Moya-Quiles MR et al. J. Cyst. Fibros., 2009 Jul;8:280-1). Based on the supporting evidence, this alteration is interpreted as a disease-causing mutation.

Revvity Omics, Revvity
Classification: Pathogenic. Last evaluated: 2022-08-25. Review status: criteria provided, single submitter. Criteria: ACMG Guidelines, 2015. Collection method: clinical testing. Allele origin: germline. Not counted in ClinVar's aggregate classification.